The following is an entry in ClinVar:

NM_182920.2(ADAMTS9):c.5584G>T (p.Asp1862Tyr)

Gene: ADAMTS9 (ADAM metallopeptidase with thrombospondin type 1 motif 9; minus strand). Cytogenetic location: 3p14.1.
Variant type: single nucleotide variant.
Coding change: c.5584G>T on transcript NM_182920.2 (MANE Select); coding-DNA position 5584, G replaced by T.
Protein change: p.Asp1862Tyr; replaces aspartic acid 1862 with tyrosine.
Molecular consequence: missense variant.
Genome position (GRCh38, 1-based): chr3:64,539,232, C>A on the plus strand (G>T on the coding strand, the complement: ADAMTS9 is on the minus strand). VCF-style: chr3-64539232-C-A. GRCh37 (hg19) VCF-style: chr3-64524908-C-A.
Other names: c.5500G>T, p.Asp1834Tyr (NM_001318781.2); short protein forms D1834Y, D1862Y.
Identifiers: ClinVar variation 1410113 (VCV001410113.6), dbSNP rs758536387, ClinGen allele CA2480076.
Genomic context (GRCh38, chr3:64,539,232, plus strand): 5'-CCTGGCAAGGGGGAAGGCACCAAGGACATACCTGTGGGCACTTGGCAGCGCTGTAGCAAT[C>A]CCCGGCTGTGGCAAAAGGGACGGGATGTCCTTCGCTTGTCCTTGCAAACTGTAAGTCAGT-3'
Protein context (NP_891550.1, residues 1852-1872): GHPVPFATAG[Asp1862Tyr]CYSAAKCPQG

ClinVar aggregate classification (germline): Uncertain significance (1 of 4 stars; one submission).

Allele frequency attached by ClinVar (database versions not stated): ExAC 0.00001.

Submission:

Labcorp Genetics (formerly Invitae), Labcorp
Classification: Uncertain significance. Last evaluated: 2023-08-10. Review status: criteria provided, single submitter. Criteria: Invitae Variant Classification Sherloc (09022015). Collection method: clinical testing. Allele origin: germline.
Comment: ClinVar contains an entry for this variant (Variation ID: 1410113). This variant has not been reported in the literature in individuals affected with ADAMTS9-related conditions. This variant is present in population databases (rs758536387, gnomAD 0.0009%). This sequence change replaces aspartic acid, which is acidic and polar, with tyrosine, which is neutral and polar, at codon 1862 of the ADAMTS9 protein (p.Asp1862Tyr). An algorithm developed to predict the effect of missense changes on protein structure and function (PolyPhen-2) suggests that this variant is likely to be disruptive. In summary, the available evidence is currently insufficient to determine the role of this variant in disease. Therefore, it has been classified as a Variant of Uncertain Significance.